The following is an entry in ClinVar:

NM_020975.6(RET):c.1825T>G (p.Cys609Gly)

Gene: RET (ret proto-oncogene; plus strand). Cytogenetic location: 10q11.21.
Variant type: single nucleotide variant.
Coding change: c.1825T>G on transcript NM_020975.6 (MANE Select); coding-DNA position 1825, T replaced by G.
Protein change: p.Cys609Gly; replaces cysteine 609 with glycine.
Molecular consequence: missense variant.
Genome position (GRCh38, 1-based): chr10:43,113,621, T>G. VCF-style: chr10-43113621-T-G. GRCh37 (hg19) VCF-style: chr10-43609069-T-G.
Other names: c.835T>G, p.Cys279Gly (NM_001406784.1); c.928T>G, p.Cys310Gly (NM_001406787.1, NM_001406779.1, NM_001406780.1 and 2 more transcripts); c.799T>G, p.Cys267Gly (NM_001406786.1, NM_001406783.1); c.640T>G, p.Cys214Gly (NM_001406788.1, NM_001406789.1, NM_001406790.1); c.376T>G, p.Cys126Gly (NM_001406793.1, NM_001406794.1, NM_001406792.1); c.1825T>G, p.Cys609Gly (NM_020629.2, NM_020630.7, NM_000323.2 and 6 more transcripts); c.1063T>G, p.Cys355Gly (NM_001355216.2); c.1696T>G, p.Cys566Gly (NM_001406761.1, NM_001406762.1, NM_001406764.1 and 1 more transcripts); and 5 more; short protein forms C355G, C126G, C367G, C214G, C267G, C463G, C477G, C279G.
Identifiers: ClinVar variation 3254419 (VCV003254419.2), dbSNP rs77558292.

ClinVar aggregate classification (germline): Pathogenic. Review status: criteria provided, multiple submitters, no conflicts (2 of 4 stars). 2 submissions from 2 submitters: Pathogenic (2). Last evaluated 2024-08-10.

Conditions:
Multiple endocrine neoplasia type 2A. Also called: Multiple Endocrine Neoplasia Type 2A (MEN2A); MULTIPLE ENDOCRINE NEOPLASIA, TYPE IIA; PTC SYNDROME; SIPPLE SYNDROME; MEN 2A; MEN-2A syndrome. Identifiers: Orphanet 247698, Orphanet 653, MedGen C0025268, MeSH D018813, MONDO:0008234, OMIM 171400.
Hereditary cancer-predisposing syndrome. Also called: Hereditary Cancer Syndrome; Tumor predisposition; Hereditary neoplastic syndrome; Neoplastic Syndromes, Hereditary. Identifiers: Orphanet 140162, MedGen C0027672, MeSH D009386, MONDO:0015356.

Allele frequency attached by ClinVar (database versions not stated): gnomAD exomes below 0.00001.
gnomAD v4.1: 1 of 1,613,182 alleles (0.000062%); highest among the groups gnomAD compares: Non-Finnish European, 0.000085%; no homozygotes.

Submissions (2):

Ambry Genetics
Classification: Pathogenic for Hereditary cancer-predisposing syndrome. Last evaluated: 2024-08-10. Review status: criteria provided, single submitter. Criteria: Ambry Variant Classification Scheme 2023. Collection method: clinical testing. Allele origin: germline.
Comment: The p.C609G pathogenic mutation (also known as c.1825T>G), located in coding exon 10 of the RET gene, results from a T to G substitution at nucleotide position 1825. The cysteine at codon 609 is replaced by glycine, an amino acid with highly dissimilar properties. This variant has been observed in multiple individuals with a personal and/or family history that is consistent with multiple endocrine neoplasia type 2 (MEN2), and was shown to segregate with disease in at least one family (Frank-Raue K et al. J Clin Endocrinol Metab, 1996 May;81:1780-3; Simon S et al. J Pediatr Surg, 2002 Jun;37:897-900; Quayle FJ et al. Surgery, 2007 Dec;142:800-5; discussion 805.e1; Machens A et al. Clin Endocrinol (Oxf), 2008 Jul;69:81-7; Martins-Costa MC et al. Arch Endocrinol Metab, 2018;62:623-635; Ambry internal data). This variant is considered to be rare based on population cohorts in the Genome Aggregation Database (gnomAD). This amino acid position is highly conserved in available vertebrate species. In addition, this alteration is predicted to be deleterious by in silico analysis. Based on the supporting evidence, this alteration is pathogenic for MEN2; however, the association of this alteration with Hirschsprung disease is unknown.

Myriad Genetics, Inc.
Classification: Pathogenic for Multiple endocrine neoplasia type 2A. Last evaluated: 2024-05-08. Review status: criteria provided, single submitter. Criteria: Myriad Autosomal Dominant, Autosomal Recessive and X-Linked Classification Criteria (2023). Collection method: clinical testing. Allele origin: unknown.
Comment: This variant is considered pathogenic. Functional studies indicate this variant impacts protein function [PMID: 16343103, 9230192, 16715139]. This variant has been reported in multiple individuals with clinical features of gene-specific disease [PMID: 12037758, 18063059, 29656518, 20979234, 20516206, 30624503, 25810047].

Literature cited by the submitters: PubMed 12037758 (cited by Ambry Genetics and Myriad Genetics, Inc.); PubMed 18062802 (cited by Ambry Genetics); PubMed 18063059 (cited by Ambry Genetics and Myriad Genetics, Inc.); PubMed 30624503 (cited by Ambry Genetics and Myriad Genetics, Inc.); PubMed 8626834 (cited by Ambry Genetics); PubMed 29656518 (cited by Myriad Genetics, Inc.); PubMed 20979234 (cited by Myriad Genetics, Inc.); PubMed 20516206 (cited by Myriad Genetics, Inc.); PubMed 25810047 (cited by Myriad Genetics, Inc.).